The following is an entry in ClinVar:

ClinVar aggregate classification (germline): Pathogenic/Likely pathogenic. Review status: criteria provided, multiple submitters, no conflicts (2 of 4 stars). 5 submissions from 5 submitters: Pathogenic (3); Likely pathogenic (1). 1 of the submissions does not count toward it. Last evaluated 2025-06-11.

Conditions:
Familial hypobetalipoproteinemia 2. Also called: HYPOLIPIDEMIA, FAMILIAL, COMBINED. Identifiers: MedGen C1857970, MONDO:0011505, OMIM 605019.
ANGPTL3-related disorder. Also called: ANGPTL3-related condition.

Submissions (5):

Labcorp Genetics (formerly Invitae), Labcorp
Classification: Pathogenic. Last evaluated: 2025-06-11. Review status: criteria provided, single submitter. Criteria: Invitae Variant Classification Sherloc (09022015). Collection method: clinical testing. Allele origin: germline.
Comment: This sequence change creates a premature translational stop signal (p.Asn147*) in the ANGPTL3 gene. It is expected to result in an absent or disrupted protein product. Loss-of-function variants in ANGPTL3 are known to be pathogenic (PMID: 22247256, 24058201). This variant is present in population databases (rs749131121, gnomAD 0.04%). This premature translational stop signal has been observed in individual(s) with dyslipidemia (PMID: 22247256, 36325899). ClinVar contains an entry for this variant (Variation ID: 91865). For these reasons, this variant has been classified as Pathogenic.

First Genomix Gene Laboratory, Genetic Diagnostics Department
Classification: Likely pathogenic for Familial hypobetalipoproteinemia 2. Last evaluated: 2025-01-10. Review status: criteria provided, single submitter. Criteria: ACMG Guidelines, 2015. Collection method: clinical testing. Allele origin: germline. Inheritance: Autosomal recessive inheritance. Affected: no. Observed: 1 variant allele.

Blueprint Genetics
Classification: Pathogenic for ANGPTL3-related disorders. Last evaluated: 2024-11-20. Review status: criteria provided, single submitter. Criteria: ACMG Guidelines, 2015. Collection method: clinical testing. Allele origin: germline. Affected: yes. Observed: 5 variant alleles.

Department of Pathology and Laboratory Medicine, Sinai Health System
Classification: Pathogenic for familial hypobetalipoproteinemia 2. Last evaluated: 2023-08-23. Review status: criteria provided, single submitter. Criteria: ACMG Guidelines, 2015. Collection method: research. Allele origin: germline.

OMIM
Classification: Pathogenic for HYPOBETALIPOPROTEINEMIA, FAMILIAL, 2. Last evaluated: 2012-03-01. Review status: no assertion criteria provided. Collection method: literature only. Allele origin: germline. Not counted in ClinVar's aggregate classification.

Literature cited by the submitters: PubMed 22247256 (cited by Labcorp Genetics (formerly Invitae), Labcorp and OMIM); PubMed 24058201 (cited by Labcorp Genetics (formerly Invitae), Labcorp); PubMed 36325899 (cited by Labcorp Genetics (formerly Invitae), Labcorp); PubMed 22062970 (cited by OMIM).

NM_014495.4(ANGPTL3):c.439_442del (p.Thr146_Asn147insTer)

Genes: ANGPTL3 (angiopoietin like 3; plus strand), DOCK7 (dedicator of cytokinesis 7; minus strand). Cytogenetic location: 1p31.3.
Variant type: Microsatellite.
Coding change: c.439_442del on transcript NM_014495.4 (MANE Select); coding-DNA positions 439 to 442, 4 bases deleted (AACT; older notation c.439_442delAACT).
Protein change: p.Thr146_Asn147insTer.
Molecular consequence: nonsense. On other transcripts: intron variant (7).
Genome position (GRCh38, 1-based): chr1:62,598,005-62,598,008, AACT deleted; deleting any 4 consecutive bases within chr1:62,597,997-62,598,008 gives the same sequence; the c. name uses the placement nearest the transcript's 3' end. VCF-style (leftmost placement, unchanged base first): chr1-62597996-CAACT-C. GRCh37 (hg19) VCF-style: chr1-63063667-CAACT-C.
Other names: c.439_442delAACT (NM_014495.4); c.1683-11384AGTT[2] (NM_001272001.2, NM_001272000.2, NM_033407.4 and 4 more transcripts).
Identifiers: ClinVar variation 91865 (VCV000091865.6), dbSNP rs398122987, ClinGen allele CA145485.